The following is an entry in ClinVar:

NM_001458.5(FLNC):c.2432G>C (p.Gly811Ala)

Gene: FLNC (filamin C; plus strand). Cytogenetic location: 7q32.1.
Variant type: single nucleotide variant.
Coding change: c.2432G>C on transcript NM_001458.5 (MANE Select); coding-DNA position 2432, G replaced by C.
Protein change: p.Gly811Ala; replaces glycine 811 with alanine.
Molecular consequence: missense variant.
Genome position (GRCh38, 1-based): chr7:128,842,836, G>C. VCF-style: chr7-128842836-G-C. GRCh37 (hg19) VCF-style: chr7-128482890-G-C.
Other names: c.2432G>C, p.Gly811Ala (NM_001127487.2); short protein forms G811A.
Identifiers: ClinVar variation 2935860 (VCV002935860.4), dbSNP rs997539278, ClinGen allele CA166175525.

ClinVar aggregate classification (germline): Uncertain significance. Review status: criteria provided, multiple submitters, no conflicts (2 of 4 stars). 2 submissions from 2 submitters: Uncertain significance (2). Last evaluated 2025-09-17.

Conditions:
Cardiovascular phenotype. Identifiers: MedGen CN230736.
Myofibrillar myopathy 5. Also called: Filaminopathy (type); FILAMINOPATHY, AUTOSOMAL DOMINANT. Identifiers: Orphanet 171445, MedGen C1836050, MONDO:0012289, OMIM 609524.
Distal myopathy with posterior leg and anterior hand involvement. Also called: WILLIAMS DISTAL MYOPATHY. Identifiers: Orphanet 63273, MedGen C3279722, MONDO:0013550, OMIM 614065.
Hypertrophic cardiomyopathy 26. Also called: Cardiomyopathy, familial hypertrophic, 26. Identifiers: Orphanet 75249, MedGen C4310749, MONDO:0014883, OMIM 617047.

Allele frequency attached by ClinVar (database versions not stated): TOPMed below 0.00001.
gnomAD v4.1: 2 of 1,613,912 alleles (0.00012%); highest among the groups gnomAD compares: Non-Finnish European, 0.00017%; no homozygotes.

Submissions (2):

Ambry Genetics
Classification: Uncertain significance for Cardiovascular phenotype. Last evaluated: 2025-09-17. Review status: criteria provided, single submitter. Criteria: Ambry Variant Classification Scheme 2023. Collection method: clinical testing. Allele origin: germline.
Comment: The p.G811A variant (also known as c.2432G>C), located in coding exon 16 of the FLNC gene, results from a G to C substitution at nucleotide position 2432. The glycine at codon 811 is replaced by alanine, an amino acid with similar properties. This amino acid position is conserved. In addition, the in silico prediction for this alteration is inconclusive. Based on the available evidence, the clinical significance of this variant remains unclear.

Labcorp Genetics (formerly Invitae), Labcorp
Classification: Uncertain significance for Distal myopathy with posterior leg and anterior hand involvement; Myofibrillar myopathy 5; Hypertrophic cardiomyopathy 26. Last evaluated: 2024-10-15. Review status: criteria provided, single submitter. Criteria: Invitae Variant Classification Sherloc (09022015). Collection method: clinical testing. Allele origin: germline.
Comment: This sequence change replaces glycine, which is neutral and non-polar, with alanine, which is neutral and non-polar, at codon 811 of the FLNC protein (p.Gly811Ala). This variant is not present in population databases (gnomAD no frequency). This variant has not been reported in the literature in individuals affected with FLNC-related conditions. Invitae Evidence Modeling of protein sequence and biophysical properties (such as structural, functional, and spatial information, amino acid conservation, physicochemical variation, residue mobility, and thermodynamic stability) has been performed for this missense variant. However, the output from this modeling did not meet the statistical confidence thresholds required to predict the impact of this variant on FLNC protein function. In summary, the available evidence is currently insufficient to determine the role of this variant in disease. Therefore, it has been classified as a Variant of Uncertain Significance.